The following is an entry in ClinVar:

NM_002439.5(MSH3):c.2168T>C (p.Ile723Thr)

Gene: MSH3 (mutS homolog 3; plus strand). Cytogenetic location: 5q14.1.
Variant type: single nucleotide variant.
Coding change: c.2168T>C on transcript NM_002439.5 (MANE Select); coding-DNA position 2168, T replaced by C.
Protein change: p.Ile723Thr; replaces isoleucine 723 with threonine.
Molecular consequence: missense variant.
Genome position (GRCh38, 1-based): chr5:80,768,918, T>C. VCF-style: chr5-80768918-T-C. GRCh37 (hg19) VCF-style: chr5-80064737-T-C.
Other names: c.2168T>C (NM_002439.3); short protein forms I723T.
Identifiers: ClinVar variation 1026144 (VCV001026144.9), dbSNP rs1744169857, ClinGen allele CA360279484.

ClinVar aggregate classification (germline): Conflicting classifications of pathogenicity. Review status: criteria provided, conflicting classifications (1 of 4 stars). 2 submissions from 2 submitters: Uncertain significance (1); Likely benign (1). Last evaluated 2025-07-08.

Conditions:
Hereditary cancer-predisposing syndrome. Also called: Neoplastic Syndromes, Hereditary; Tumor predisposition; Hereditary Cancer Syndrome; Hereditary neoplastic syndrome. Identifiers: Orphanet 140162, MedGen C0027672, MeSH D009386, MONDO:0015356.

Submissions (2):

Labcorp Genetics (formerly Invitae), Labcorp
Classification: Uncertain significance. Last evaluated: 2025-07-08. Review status: criteria provided, single submitter. Criteria: Invitae Variant Classification Sherloc (09022015). Collection method: clinical testing. Allele origin: germline.
Comment: This sequence change replaces isoleucine, which is neutral and non-polar, with threonine, which is neutral and polar, at codon 723 of the MSH3 protein (p.Ile723Thr). This variant is not present in population databases (gnomAD no frequency). This variant has not been reported in the literature in individuals affected with MSH3-related conditions. ClinVar contains an entry for this variant (Variation ID: 1026144). An algorithm developed to predict the effect of missense changes on protein structure and function outputs the following: PolyPhen-2: "Benign". The threonine amino acid residue is found in multiple mammalian species, which suggests that this missense change does not adversely affect protein function. In summary, the available evidence is currently insufficient to determine the role of this variant in disease. Therefore, it has been classified as a Variant of Uncertain Significance.

Ambry Genetics
Classification: Likely benign for Hereditary cancer-predisposing syndrome. Last evaluated: 2024-01-25. Review status: criteria provided, single submitter. Criteria: Ambry Variant Classification Scheme 2023. Collection method: clinical testing. Allele origin: germline.